The following is an entry in ClinVar:

NM_006767.4(LZTR1):c.979A>G (p.Ser327Gly)

Gene: LZTR1 (leucine zipper like post translational regulator 1; plus strand). Cytogenetic location: 22q11.21.
Variant type: single nucleotide variant.
Coding change: c.979A>G on transcript NM_006767.4 (MANE Select); coding-DNA position 979, A replaced by G.
Protein change: p.Ser327Gly; replaces serine 327 with glycine.
Molecular consequence: missense variant.
Genome position (GRCh38, 1-based): chr22:20,991,815, A>G. VCF-style: chr22-20991815-A-G. GRCh37 (hg19) VCF-style: chr22-21346104-A-G.
Other names: short protein forms S327G.
Identifiers: ClinVar variation 4101942 (VCV004101942.2).
Genomic context (GRCh38, chr22:20,991,815, plus strand): 5'-CTGCCCAACGAGCTGCACTGCTATGACGTGGACTTCCAGACCTGGGAGGTCGTCCAGCCC[A>G]GCTCCGACAGCGAGGTGAGGGTGCCCAGGGGTGTCCTGACCTGCCAGCTGGACACCAGTA-3'
Protein context (NP_006758.2, residues 317-337): DFQTWEVVQP[Ser327Gly]SDSEVGGAEV

ClinVar aggregate classification (germline): Uncertain significance. Review status: criteria provided, multiple submitters, no conflicts (2 of 4 stars). 2 submissions from 2 submitters: Uncertain significance (2). Last evaluated 2025-09-10.

Conditions:
Cardiovascular phenotype. Identifiers: MedGen CN230736.
Hereditary cancer-predisposing syndrome. Also called: Tumor predisposition; Neoplastic Syndromes, Hereditary; Hereditary neoplastic syndrome; Hereditary Cancer Syndrome. Identifiers: Orphanet 140162, MedGen C0027672, MeSH D009386, MONDO:0015356.

Submissions (2):

Labcorp Genetics (formerly Invitae), Labcorp
Classification: Uncertain significance. Last evaluated: 2025-09-10. Review status: criteria provided, single submitter. Criteria: Invitae Variant Classification Sherloc (09022015). Collection method: clinical testing. Allele origin: germline.
Comment: This sequence change replaces serine, which is neutral and polar, with glycine, which is neutral and non-polar, at codon 327 of the LZTR1 protein (p.Ser327Gly). This variant is not present in population databases (gnomAD no frequency). This variant has not been reported in the literature in individuals affected with LZTR1-related conditions. Invitae Evidence Modeling of protein sequence and biophysical properties (such as structural, functional, and spatial information, amino acid conservation, physicochemical variation, residue mobility, and thermodynamic stability) indicates that this missense variant is not expected to disrupt LZTR1 protein function with a negative predictive value of 80%. In summary, the available evidence is currently insufficient to determine the role of this variant in disease. Therefore, it has been classified as a Variant of Uncertain Significance.

Ambry Genetics
Classification: Uncertain significance for Cardiovascular phenotype; Hereditary cancer-predisposing syndrome. Last evaluated: 2025-08-25. Review status: criteria provided, single submitter. Criteria: Ambry Variant Classification Scheme 2023. Collection method: clinical testing. Allele origin: germline.
Comment: The p.S327G variant (also known as c.979A>G), located in coding exon 9 of the LZTR1 gene, results from an A to G substitution at nucleotide position 979. The serine at codon 327 is replaced by glycine, an amino acid with similar properties. This amino acid position is conserved. In addition, this alteration is predicted to be tolerated by in silico analysis. Based on the available evidence, the clinical significance of this variant remains unclear.